The following is an entry in ClinVar:

NM_014780.4(CUL7):c.-300G>C

Genes: CUL7 (cullin 7; minus strand), LOC129996487 (ATAC-STARR-seq lymphoblastoid silent region 17217; plus strand). Cytogenetic location: 6p21.1.
Variant type: single nucleotide variant.
Coding change: c.-300G>C on transcript NM_014780.4; 300 bases upstream of the start codon, G replaced by C.
Genome position (GRCh38, 1-based): chr6:43,053,913, C>G on the plus strand (G>C on the coding strand, the complement: CUL7 is on the minus strand). VCF-style: chr6-43053913-C-G. GRCh37 (hg19) VCF-style: chr6-43021651-C-G.
Identifiers: ClinVar variation 356865 (VCV000356865.7), dbSNP rs80311039, ClinGen allele CA10623983.

ClinVar aggregate classification (germline): Benign (1 of 4 stars; one submission).

Conditions:
3M syndrome 1. Also called: 3-M Syndrome, CUL7-Related. Identifiers: Orphanet 2616, MedGen C2678312, MONDO:0010117, OMIM 273750.

Allele frequency attached by ClinVar (database versions not stated): gnomAD exomes 0.00088; gnomAD 0.00138 and 0.00120; 1000 Genomes Project 30x 0.00406; 1000 Genomes Project 0.00459; TOPMed 0.00096.

Submission:

Illumina Laboratory Services, Illumina
Classification: Benign for 3M syndrome 1. Last evaluated: 2018-01-13. Review status: criteria provided, single submitter. Criteria: ICSL Variant Classification Criteria 13 December 2019. Collection method: clinical testing. Allele origin: germline.
Comment: This variant was observed in the ICSL laboratory as part of a predisposition screen in an ostensibly healthy population. It had not been previously curated by ICSL or reported in the Human Gene Mutation Database (HGMD: prior to June 1st, 2018), and was therefore a candidate for classification through an automated scoring system. Utilizing variant allele frequency, disease prevalence and penetrance estimates, and inheritance mode, an automated score was calculated to assess if this variant is too frequent to cause the disease. Based on the score and internal cut-off values, a variant classified as benign is not then subjected to further curation. The score for this variant resulted in a classification of benign for this disease.